The following is an entry in ClinVar:

NM_001401501.2(MUC16):c.2065G>T (p.Val689Phe)

Gene: MUC16 (mucin 16, cell surface associated; minus strand). Cytogenetic location: 19p13.2.
Variant type: single nucleotide variant.
Coding change: c.2065G>T on transcript NM_001401501.2 (MANE Select); coding-DNA position 2065, G replaced by T.
Protein change: p.Val689Phe; replaces valine 689 with phenylalanine.
Molecular consequence: missense variant.
Genome position (GRCh38, 1-based): chr19:8,979,194, C>A on the plus strand (G>T on the coding strand, the complement: MUC16 is on the minus strand). VCF-style: chr19-8979194-C-A. GRCh37 (hg19) VCF-style: chr19-9089870-C-A.
Other names: c.2491G>T, p.Val831Phe (NM_001414686.1); c.1945G>T, p.Val649Phe (NM_001414687.1, NM_024690.2); short protein forms V649F, V689F, V831F.
Identifiers: ClinVar variation 3033282 (VCV003033282.2), dbSNP rs190913067, ClinGen allele CA9173290.

ClinVar aggregate classification (germline): Benign (0 of 4 stars; one submission).

Conditions:
MUC16-related disorder. Also called: MUC16-related condition.

Allele frequency attached by ClinVar (database versions not stated): gnomAD exomes 0.00039; gnomAD 0.00064; 1000 Genomes Project 30x 0.00094; 1000 Genomes Project 0.00100; TOPMed 0.00111; ExAC 0.00140.

Submission:

PreventionGenetics, part of Exact Sciences
Classification: Benign for MUC16-related condition. Last evaluated: 2019-06-11. Review status: no assertion criteria provided. Collection method: clinical testing. Allele origin: germline.
Comment: This variant is classified as benign based on ACMG/AMP sequence variant interpretation guidelines (Richards et al. 2015 PMID: 25741868, with internal and published modifications).